The following is an entry in ClinVar:

ClinVar aggregate classification (germline): Uncertain significance (1 of 4 stars; one submission).

Conditions:
Hereditary cancer-predisposing syndrome. Also called: Neoplastic Syndromes, Hereditary; Tumor predisposition; Hereditary neoplastic syndrome; Hereditary Cancer Syndrome. Identifiers: Orphanet 140162, MedGen C0027672, MeSH D009386, MONDO:0015356.

gnomAD v4.1: 1 of 1,613,188 alleles (0.000062%); highest among the groups gnomAD compares: Non-Finnish European, 0.000085%; no homozygotes.

Submission:

Ambry Genetics
Classification: Uncertain significance for Hereditary cancer-predisposing syndrome. Last evaluated: 2024-02-23. Review status: criteria provided, single submitter. Criteria: Ambry Variant Classification Scheme 2023. Collection method: clinical testing. Allele origin: germline.
Comment: The p.Y1131S variant (also known as c.3392A>C), located in coding exon 19 of the BRIP1 gene, results from an A to C substitution at nucleotide position 3392. The tyrosine at codon 1131 is replaced by serine, an amino acid with dissimilar properties. This amino acid position is highly conserved in available vertebrate species. In addition, this alteration is predicted to be tolerated by in silico analysis. Based on the available evidence, the clinical significance of this alteration remains unclear.

NM_032043.3(BRIP1):c.3392A>C (p.Tyr1131Ser)

Gene: BRIP1 (BRCA1 interacting DNA helicase 1; minus strand). Cytogenetic location: 17q23.2.
Variant type: single nucleotide variant.
Coding change: c.3392A>C on transcript NM_032043.3 (MANE Select); coding-DNA position 3392, A replaced by C.
Protein change: p.Tyr1131Ser; replaces tyrosine 1131 with serine.
Molecular consequence: missense variant.
Genome position (GRCh38, 1-based): chr17:61,683,654, T>G on the plus strand (A>C on the coding strand, the complement: BRIP1 is on the minus strand). VCF-style: chr17-61683654-T-G. GRCh37 (hg19) VCF-style: chr17-59761015-T-G.
Other names: short protein forms Y1131S.
Identifiers: ClinVar variation 3228126 (VCV003228126.1), dbSNP rs1567728145, ClinGen allele CA400478830.
Genomic context (GRCh38, chr17:61,683,654, plus strand): 5'-TCAGCTAGGTCATTTTTTTCTTCATCTGTATCTTCAGGATCATAAAGTTCAGGTGTAAAA[T>G]AGATAGATTCATCTTCTGCTTCTGTTTCAAAATCTCTATTTGAAGTGGACTGTTTATCTT-3'
Protein context (NP_114432.2, residues 1121-1141): FETEAEDESI[Tyr1131Ser]FTPELYDPED